The following is an entry in ClinVar:

ClinVar aggregate classification (germline): Likely benign. Review status: criteria provided, multiple submitters, no conflicts (2 of 4 stars). 6 submissions from 6 submitters: Likely benign (4). 2 of the submissions do not count toward it. Last evaluated 2026-09-01.

Conditions:
Klippel-Feil anomaly-myopathy-facial dysmorphism syndrome. Also called: Klippel-feil syndrome 4, autosomal recessive, with nemaline myopathy and facial dysmorphism; Klippel-Feil syndrome 4, autosomal recessive, with myopathy and facial dysmorphism. Identifiers: Orphanet 447974, MedGen C4225285, MONDO:0014689, OMIM 616549.
MYO18B-related disorder. Also called: MYO18B-related condition.

Allele frequency attached by ClinVar (database versions not stated): TOPMed 0.00008; gnomAD 0.00010 and 0.00017; 1000 Genomes Project 30x 0.00016; 1000 Genomes Project 0.00020.
gnomAD v4.1: 457 of 1,613,964 alleles (0.028%); highest among the groups gnomAD compares: South Asian, 0.27%; 7 homozygotes.

Submissions (6):

CeGaT Center for Human Genetics Tuebingen
Classification: Likely benign. Last evaluated: 2026-09-01. Review status: criteria provided, single submitter. Criteria: CeGaT Center For Human Genetics Tuebingen Variant Classification Criteria Version 2. Collection method: clinical testing. Allele origin: germline. Affected: yes. Observed: 6 variant alleles.
Comment: MYO18B: BS2

Labcorp Genetics (formerly Invitae), Labcorp
Classification: Likely benign. Last evaluated: 2025-10-03. Review status: criteria provided, single submitter. Criteria: Invitae Variant Classification Sherloc (09022015). Collection method: clinical testing. Allele origin: germline.

Blueprint Genetics
Classification: Likely benign. Last evaluated: 2024-11-18. Review status: criteria provided, single submitter. Criteria: ACMG Guidelines, 2015. Collection method: clinical testing. Allele origin: germline.

Breakthrough Genomics
Classification: Likely benign. Review status: criteria provided, single submitter. Criteria: ACMG Guidelines, 2015. Collection method: not provided. Allele origin: germline. Inheritance: Autosomal recessive inheritance. Affected: yes.

PreventionGenetics, part of Exact Sciences
Classification: Likely benign for MYO18B-related condition. Last evaluated: 2022-02-16. Review status: no assertion criteria provided. Collection method: clinical testing. Allele origin: germline. Not counted in ClinVar's aggregate classification.
Comment: This variant is classified as likely benign based on ACMG/AMP sequence variant interpretation guidelines (Richards et al. 2015 PMID: 25741868, with internal and published modifications).

Lupski Lab, Baylor-Hopkins CMG, Baylor College of Medicine
Classification: Uncertain significance for Klippel-Feil anomaly-myopathy-facial dysmorphism syndrome. Review status: no assertion criteria provided. Collection method: research. Allele origin: inherited. Inheritance: Autosomal recessive inheritance. Affected: yes. Observed: 2 variant alleles, 1 heterozygote, 1 compound heterozygote. Not counted in ClinVar's aggregate classification.

NM_032608.7(MYO18B):c.2879C>T (p.Ala960Val)

Gene: MYO18B (myosin XVIIIB; plus strand). Cytogenetic location: 22q12.1.
Variant type: single nucleotide variant.
Coding change: c.2879C>T on transcript NM_032608.7 (MANE Select); coding-DNA position 2879, C replaced by T.
Protein change: p.Ala960Val; replaces alanine 960 with valine.
Molecular consequence: missense variant.
Genome position (GRCh38, 1-based): chr22:25,828,868, C>T. VCF-style: chr22-25828868-C-T. GRCh37 (hg19) VCF-style: chr22-26224835-C-T.
Other names: c.2879C>T, p.Ala960Val (NM_001318245.2); short protein forms A960V.
Identifiers: ClinVar variation 744285 (VCV000744285.50), dbSNP rs147134820, ClinGen allele CA10160360.